The following is an entry in ClinVar:

ClinVar aggregate classification (germline): Uncertain significance. Review status: criteria provided, multiple submitters, no conflicts (2 of 4 stars). 2 submissions from 2 submitters: Uncertain significance (2). Last evaluated 2025-05-14.

Conditions:
Inborn genetic diseases. Identifiers: MedGen C0950123, MeSH D030342.

Allele frequency attached by ClinVar (database versions not stated): gnomAD exomes 0.00006 and 0.00003; gnomAD 0.00005 and 0.00004; ExAC 0.00007; TOPMed 0.00009.
gnomAD v4.1: 57 of 1,614,016 alleles (0.0035%); highest among the groups gnomAD compares: East Asian, 0.02%; no homozygotes.

Submissions (2):

Ambry Genetics
Classification: Uncertain significance for Inborn genetic diseases. Last evaluated: 2025-05-14. Review status: criteria provided, single submitter. Criteria: Ambry Variant Classification Scheme 2023. Collection method: clinical testing. Allele origin: germline.

Labcorp Genetics (formerly Invitae), Labcorp
Classification: Uncertain significance. Last evaluated: 2022-07-15. Review status: criteria provided, single submitter. Criteria: Invitae Variant Classification Sherloc (09022015). Collection method: clinical testing. Allele origin: germline.
Comment: This sequence change replaces glutamic acid, which is acidic and polar, with lysine, which is basic and polar, at codon 474 of the ADAMTS17 protein (p.Glu474Lys). This variant is present in population databases (rs751726573, gnomAD 0.02%). This variant has not been reported in the literature in individuals affected with ADAMTS17-related conditions. ClinVar contains an entry for this variant (Variation ID: 1366888). Algorithms developed to predict the effect of missense changes on protein structure and function are either unavailable or do not agree on the potential impact of this missense change (SIFT: "Not Available"; PolyPhen-2: "Probably Damaging"; Align-GVGD: "Not Available"). In summary, the available evidence is currently insufficient to determine the role of this variant in disease. Therefore, it has been classified as a Variant of Uncertain Significance.

NM_139057.4(ADAMTS17):c.1420G>A (p.Glu474Lys)

Gene: ADAMTS17 (ADAM metallopeptidase with thrombospondin type 1 motif 17; minus strand). Cytogenetic location: 15q26.3.
Variant type: single nucleotide variant.
Coding change: c.1420G>A on transcript NM_139057.4 (MANE Select); coding-DNA position 1420, G replaced by A.
Protein change: p.Glu474Lys; replaces glutamic acid 474 with lysine.
Molecular consequence: missense variant.
Genome position (GRCh38, 1-based): chr15:100,152,665, C>T on the plus strand (G>A on the coding strand, the complement: ADAMTS17 is on the minus strand). VCF-style: chr15-100152665-C-T. GRCh37 (hg19) VCF-style: chr15-100692870-C-T.
Other names: c.1420G>A (NM_139057.2); short protein forms E474K.
Identifiers: ClinVar variation 1366888 (VCV001366888.7), dbSNP rs751726573, ClinGen allele CA7758249.